The following is an entry in ClinVar:

ClinVar aggregate classification (germline): Likely benign. Review status: criteria provided, multiple submitters, no conflicts (2 of 4 stars). 4 submissions from 4 submitters: Likely benign (3). 1 of the submissions does not count toward it. Last evaluated 2025-12-28.

Conditions:
Glucose-6-phosphate transport defect (GSD1B). Also called: GSD Ib; Glycogen Storage Disease Type Ib. Identifiers: Orphanet 364, Orphanet 79259, MedGen C0268146, MONDO:0009288, OMIM 232220.
Inborn genetic diseases. Identifiers: MedGen C0950123, MeSH D030342.

Allele frequency attached by ClinVar (database versions not stated): TOPMed 0.00002; gnomAD 0.00005; gnomAD exomes 0.00007 and 0.00011; ExAC 0.00009.

Submissions (4):

Labcorp Genetics (formerly Invitae), Labcorp
Classification: Likely benign for Glucose-6-phosphate transport defect. Last evaluated: 2025-12-28. Review status: criteria provided, single submitter. Criteria: Invitae Variant Classification Sherloc (09022015). Collection method: clinical testing. Allele origin: germline.

CeGaT Center for Human Genetics Tuebingen
Classification: Likely benign. Last evaluated: 2025-01-01. Review status: criteria provided, single submitter. Criteria: CeGaT Center For Human Genetics Tuebingen Variant Classification Criteria Version 2. Collection method: clinical testing. Allele origin: germline. Affected: yes. Observed: 1 variant allele.
Comment: SLC37A4: BP4, BP7

Ambry Genetics
Classification: Likely benign for Inborn genetic diseases. Last evaluated: 2020-06-14. Review status: criteria provided, single submitter. Criteria: Ambry Variant Classification Scheme 2023. Collection method: clinical testing. Allele origin: germline.

Natera, Inc.
Classification: Likely benign for Glycogen storage disease type Ib. Last evaluated: 2020-10-28. Review status: no assertion criteria provided. Collection method: clinical testing. Allele origin: germline. Not counted in ClinVar's aggregate classification.

NM_001164277.2(SLC37A4):c.1026G>A (p.Ser342=)

Gene: SLC37A4 (solute carrier family 37 member 4; minus strand). Cytogenetic location: 11q23.3.
Variant type: single nucleotide variant.
Coding change: c.1026G>A on transcript NM_001164277.2 (MANE Select); coding-DNA position 1026, G replaced by A.
Protein change: p.Ser342=; no amino-acid change (serine 342 retained).
Molecular consequence: synonymous variant.
Genome position (GRCh38, 1-based): chr11:119,025,288, C>T on the plus strand (G>A on the coding strand, the complement: SLC37A4 is on the minus strand). VCF-style: chr11-119025288-C-T. GRCh37 (hg19) VCF-style: chr11-118895998-C-T.
Other names: c.1026G>A (NM_001467.5); c.1092G>A, p.Ser364= (NM_001164278.2); c.807G>A, p.Ser269= (NM_001164279.2); c.1026G>A, p.Ser342= (NM_001164280.2, NM_001467.6).
Identifiers: ClinVar variation 766080 (VCV000766080.28), dbSNP rs782777751, ClinGen allele CA6311639.